The following is an entry in ClinVar:

ClinVar aggregate classification (germline): Benign (3 of 4 stars; one submission).

Conditions:
Breast-ovarian cancer, familial, susceptibility to, 1 (BROVCA1). Also called: BRCA1 Hereditary Breast and Ovarian Cancer; OVARIAN CANCER, SUSCEPTIBILITY TO. Identifiers: Orphanet 145, MedGen C2676676, MONDO:0011450, OMIM 604370. Disease mechanism: loss of function.

Allele frequency attached by ClinVar (database versions not stated): gnomAD 0.00001 and 0.00021; TOPMed 0.00008; 1000 Genomes Project 30x 0.00219; 1000 Genomes Project 0.00240.
gnomAD v4.1: 31 of 152,344 alleles (0.02%); highest among the groups gnomAD compares: South Asian, 0.62%; 1 homozygote.

Submission:

Evidence-based Network for the Interpretation of Germline Mutant Alleles (ENIGMA)
Classification: Benign for Breast-ovarian cancer, familial, susceptibility to, 1. Last evaluated: 2016-09-28. Review status: reviewed by expert panel. Criteria: ENIGMA BRCA1/2 Classification Criteria (2015). Collection method: curation. Allele origin: germline.
Comment: Class 1 not pathogenic based on frequency >1% in an outbred sampleset. Frequency 0.0123 (South Asian), derived from 1000 genomes (2013-05-02).

NM_007294.4(BRCA1):c.4357+259A>G

Gene: BRCA1 (BRCA1 DNA repair associated; minus strand). Cytogenetic location: 17q21.31.
Variant type: single nucleotide variant.
Coding change: c.4357+259A>G on transcript NM_007294.4 (MANE Select); 259 bases into the intron after coding-DNA position 4357, A replaced by G.
Molecular consequence: intron variant.
Genome position (GRCh38, 1-based): chr17:43,082,145, T>C on the plus strand (A>G on the coding strand, the complement: BRCA1 is on the minus strand). VCF-style: chr17-43082145-T-C. GRCh37 (hg19) VCF-style: chr17-41234162-T-C.
Other names: c.907+259A>G (NM_001408458.1, NM_001408453.1, NM_001408461.1 and 8 more transcripts); c.3469+259A>G (NM_001407967.1, NM_001407966.1); c.3976+259A>G (NM_001407959.1, NM_001407960.1); c.4090+259A>G (NM_001407931.1, NM_001407932.1, NM_001407935.1 and 3 more transcripts); c.4213+259A>G (NM_001407747.1, NM_001407839.1, NM_001407745.1 and 23 more transcripts); c.3973+259A>G (NM_001407962.1, NM_001407963.1); c.544+259A>G (NM_001408512.1); c.667+259A>G (NM_001408510.1); and 51 more.
Identifiers: ClinVar variation 264849 (VCV000264849.2), dbSNP rs543852008, ClinGen allele CA10588217.